The following is an entry in ClinVar:

ClinVar aggregate classification (germline): Pathogenic. Review status: reviewed by expert panel (3 of 4 stars). 2 submissions from 2 submitters: Pathogenic (1). 1 of the submissions does not count toward it. Last evaluated 2017-12-15.

Conditions:
Breast-ovarian cancer, familial, susceptibility to, 2 (BROVCA2). Also called: BRCA2 Hereditary Breast and Ovarian Cancer. Identifiers: Orphanet 145, MedGen C2675520, MONDO:0012933, OMIM 612555. Disease mechanism: loss of function.

Submissions (2):

Evidence-based Network for the Interpretation of Germline Mutant Alleles (ENIGMA)
Classification: Pathogenic for Breast-ovarian cancer, familial, susceptibility to, 2. Last evaluated: 2017-12-15. Review status: reviewed by expert panel. Criteria: ENIGMA BRCA1/2 Classification Criteria (2017-06-29). Collection method: curation. Allele origin: germline. Study: ENIGMA.
Comment: Variant allele predicted to encode a truncated non-functional protein.

Quest Diagnostics Nichols Institute San Juan Capistrano
Classification: Likely pathogenic. Last evaluated: 2017-02-28. Review status: criteria provided, single submitter. Criteria: Quest Diagnostics criteria. Collection method: clinical testing. Allele origin: germline. Not counted in ClinVar's aggregate classification.

NM_000059.4(BRCA2):c.4749del (p.Ile1583fs)

Gene: BRCA2 (BRCA2 DNA repair associated; plus strand). Cytogenetic location: 13q13.1.
Variant type: Deletion.
Coding change: c.4749del on transcript NM_000059.4 (MANE Select); coding-DNA position 4749, one base deleted (T; older notation c.4749delT).
Protein change: p.Ile1583fs; shifts the reading frame from isoleucine 1583.
Molecular consequence: frameshift variant.
Genome position (GRCh38, 1-based): chr13:32,339,104, T deleted; the last of 2 consecutive T bases (chr13:32,339,103-32,339,104); deleting either gives the same sequence. VCF-style (leftmost placement, unchanged base first): chr13-32339102-AT-A. GRCh37 (hg19) VCF-style: chr13-32913239-AT-A.
Other names: c.4749delT (NM_000059.3).
Identifiers: ClinVar variation 438982 (VCV000438982.2), dbSNP rs1555283928, ClinGen allele CA645509349.